The following is an entry in ClinVar:

NM_012179.4(FBXO7):c.1537C>T (p.Arg513Trp)

Gene: FBXO7 (F-box protein 7; plus strand). Cytogenetic location: 22q12.3.
Variant type: single nucleotide variant.
Coding change: c.1537C>T on transcript NM_012179.4 (MANE Select); coding-DNA position 1537, C replaced by T.
Protein change: p.Arg513Trp; replaces arginine 513 with tryptophan.
Molecular consequence: missense variant.
Genome position (GRCh38, 1-based): chr22:32,498,498, C>T. VCF-style: chr22-32498498-C-T. GRCh37 (hg19) VCF-style: chr22-32894485-C-T.
Other names: c.1300C>T, p.Arg434Trp (NM_001033024.2); c.1195C>T, p.Arg399Trp (NM_001257990.2); short protein forms R399W, R434W, R513W.
Identifiers: ClinVar variation 2048984 (VCV002048984.1), dbSNP rs745848474, ClinGen allele CA10201771.

ClinVar aggregate classification (germline): Uncertain significance (1 of 4 stars; one submission).

Conditions:
Parkinsonian-pyramidal syndrome. Also called: PARKINSON DISEASE 15, AUTOSOMAL RECESSIVE; PARKINSON DISEASE 15, AUTOSOMAL RECESSIVE EARLY-ONSET; PALLIDOPYRAMIDAL SYNDROME. Identifiers: Orphanet 171695, MedGen C1850100, MONDO:0009830, OMIM 260300.

Allele frequency attached by ClinVar (database versions not stated): ExAC 0.00001; gnomAD exomes 0.00003; TOPMed 0.00003; gnomAD 0.00004.
gnomAD v4.1: 52 of 1,612,942 alleles (0.0032%); highest among the groups gnomAD compares: African/African-American, 0.0067%; no homozygotes.

Submission:

Labcorp Genetics (formerly Invitae), Labcorp
Classification: Uncertain significance for Parkinsonian-pyramidal syndrome. Last evaluated: 2022-06-30. Review status: criteria provided, single submitter. Criteria: Invitae Variant Classification Sherloc (09022015). Collection method: clinical testing. Allele origin: germline.
Comment: This sequence change replaces arginine, which is basic and polar, with tryptophan, which is neutral and slightly polar, at codon 513 of the FBXO7 protein (p.Arg513Trp). This variant is present in population databases (rs745848474, gnomAD 0.006%). This variant has not been reported in the literature in individuals affected with FBXO7-related conditions. Algorithms developed to predict the effect of missense changes on protein structure and function output the following: SIFT: "Tolerated"; PolyPhen-2: "Benign"; Align-GVGD: "Class C0". The tryptophan amino acid residue is found in multiple mammalian species, which suggests that this missense change does not adversely affect protein function. In summary, the available evidence is currently insufficient to determine the role of this variant in disease. Therefore, it has been classified as a Variant of Uncertain Significance.